The following is an entry in ClinVar:

ClinVar aggregate classification (germline): Pathogenic (1 of 4 stars; one submission).

Conditions:
BAP1-related tumor predisposition syndrome (TPDS1). Also called: BAP1 tumor predisposition syndrome; COMMON Syndrome; TUMOR PREDISPOSITION SYNDROME 1; Tumor susceptibility linked to germline BAP1 mutations. Identifiers: Orphanet 289539, MedGen C3280492, MONDO:0013692, OMIM 614327.

Submission:

Labcorp Genetics (formerly Invitae), Labcorp
Classification: Pathogenic for BAP1-related tumor predisposition syndrome. Last evaluated: 2020-02-11. Review status: criteria provided, single submitter. Criteria: Invitae Variant Classification Sherloc (09022015). Collection method: clinical testing. Allele origin: germline.
Comment: This sequence change creates a premature translational stop signal (p.Pro462Serfs*7) in the BAP1 gene. It is expected to result in an absent or disrupted protein product. For these reasons, this variant has been classified as Pathogenic. Loss-of-function variants in BAP1 are known to be pathogenic (PMID: 21874000, 23684012). This variant has not been reported in the literature in individuals with BAP1-related conditions. This variant is not present in population databases (ExAC no frequency).

Literature cited by the submitters: PubMed 21874000; PubMed 23684012.

NM_004656.4(BAP1):c.1383dup (p.Pro462fs)

Gene: BAP1 (BRCA1 associated deubiquitinase 1; minus strand). Cytogenetic location: 3p21.1.
Variant type: Duplication.
Coding change: c.1383dup on transcript NM_004656.4 (MANE Select); coding-DNA position 1383, one base duplicated (T; older notation c.1383dupT).
Protein change: p.Pro462fs; shifts the reading frame from proline 462.
Molecular consequence: frameshift variant.
Genome position (GRCh38, 1-based): chr3:52,403,762, A duplicated on the plus strand (T on the coding strand, the reverse complement: BAP1 is on the minus strand); the first of 2 consecutive A bases (chr3:52,403,762-52,403,763); duplicating either gives the same sequence. VCF-style (leftmost placement, unchanged base first): chr3-52403761-G-GA. GRCh37 (hg19) VCF-style: chr3-52437777-G-GA.
Other names: short protein forms P462fs.
Identifiers: ClinVar variation 1076668 (VCV001076668.5), dbSNP rs2153226742, ClinGen allele CA2499216939.